The following is an entry in ClinVar:

ClinVar aggregate classification (germline): Likely pathogenic (1 of 4 stars; one submission).

Conditions:
Citrullinemia type I (CTNL1). Also called: ASS DEFICIENCY; argininosuccinate synthetase deficiency. Identifiers: Orphanet 247525, MedGen C4721769, MONDO:0008988, OMIM 215700.

Submission:

Natera, Inc.
Classification: Likely pathogenic for Citrullinemia type I. Last evaluated: 2025-09-01. Review status: criteria provided, single submitter. Criteria: Natera Variant Classification Schema (03/2026). Collection method: clinical testing. Allele origin: germline.
Comment: The c.160_161del variant in ASS1 is a frameshift variant predicted to shift the reading frame beginning at codon 54 and leads to a stop codon 8 codons downstream. This variant is expected to result in nonsense mediated decay, truncation, or a dysfunctional protein product. This variant is rare in the general population with a frequency below the threshold expected for the associated phenotype(s). Given the available evidence, this variant is classified as Likely Pathogenic.

NM_054012.4(ASS1):c.160_161del (p.Leu54fs)

Gene: ASS1 (argininosuccinate synthase 1; plus strand). Cytogenetic location: 9q34.11.
Variant type: Deletion.
Coding change: c.160_161del on transcript NM_054012.4 (MANE Select); coding-DNA positions 160 to 161, 2 bases deleted (CT; older notation c.160_161delCT).
Protein change: p.Leu54fs; shifts the reading frame from leucine 54.
Molecular consequence: frameshift variant.
Genome position (GRCh38, 1-based): chr9:130,454,359-130,454,360, CT deleted. VCF-style (leftmost placement, unchanged base first): chr9-130454358-GCT-G. GRCh37 (hg19) VCF-style: chr9-133329745-GCT-G.
Other names: c.160_161del, p.Leu54fs (NM_000050.4); short protein forms L54fs.
Identifiers: ClinVar variation 4818561 (VCV004818561.1).
Genomic context (GRCh38, chr9:130,454,358, plus strand): 5'-TTCTCAGGCCAACATTGGCCAGAAGGAAGACTTCGAGGAAGCCAGGAAGAAGGCACTGAA[GCT>G]TGGGGCCAAAAAGGTACCAGGCGGGAGGCAGGGATTTGGGCTGGGAGTGGGGCGGTGATG-3'